The following is an entry in ClinVar:

NM_001042545.2(LTBP4):c.3005C>T (p.Pro1002Leu)

Gene: LTBP4 (latent transforming growth factor beta binding protein 4; plus strand). Cytogenetic location: 19q13.2.
Variant type: single nucleotide variant.
Coding change: c.3005C>T on transcript NM_001042545.2 (MANE Select); coding-DNA position 3005, C replaced by T.
Protein change: p.Pro1002Leu; replaces proline 1002 with leucine.
Molecular consequence: missense variant.
Genome position (GRCh38, 1-based): chr19:40,617,160, C>T. VCF-style: chr19-40617160-C-T. GRCh37 (hg19) VCF-style: chr19-41123066-C-T.
Other names: c.3206C>T, p.Pro1069Leu (NM_001042544.1); c.3095C>T, p.Pro1032Leu (NM_003573.2); short protein forms P1002L, P1032L, P1069L.
Identifiers: ClinVar variation 1013163 (VCV001013163.40), dbSNP rs372523048, ClinGen allele CA9448869.

ClinVar aggregate classification (germline): Uncertain significance. Review status: criteria provided, multiple submitters, no conflicts (2 of 4 stars). 2 submissions from 2 submitters: Uncertain significance (2). Last evaluated 2024-06-07.

Allele frequency attached by ClinVar (database versions not stated): gnomAD exomes 0.00002 and 0.00006; ExAC 0.00007; 1000 Genomes Project 30x 0.00016; gnomAD 0.00018 and 0.00020; 1000 Genomes Project 0.00020; TOPMed 0.00022; ESP Exome Variant Server 0.00024.

Submissions (2):

GeneDx
Classification: Uncertain significance. Last evaluated: 2024-06-07. Review status: criteria provided, single submitter. Criteria: GeneDx Variant Classification Process June 2021. Collection method: clinical testing. Allele origin: germline. Affected: yes.
Comment: Has not been previously published as pathogenic or benign to our knowledge; In silico analysis supports that this missense variant has a deleterious effect on protein structure/function

CeGaT Center for Human Genetics Tuebingen
Classification: Uncertain significance. Last evaluated: 2020-12-01. Review status: criteria provided, single submitter. Criteria: CeGaT Center For Human Genetics Tuebingen Variant Classification Criteria Version 2. Collection method: clinical testing. Allele origin: germline. Affected: yes. Observed: 1 variant allele.